The following is an entry in ClinVar:

NM_001039591.3(USP9X):c.2351A>G (p.Asp784Gly)

Gene: USP9X (ubiquitin specific peptidase 9 X-linked; plus strand). Cytogenetic location: Xp11.4.
Variant type: single nucleotide variant.
Coding change: c.2351A>G on transcript NM_001039591.3 (MANE Select); coding-DNA position 2351, A replaced by G.
Protein change: p.Asp784Gly; replaces aspartic acid 784 with glycine.
Molecular consequence: missense variant.
Genome position (GRCh38, 1-based): chrX:41,167,504, A>G. VCF-style: chrX-41167504-A-G. GRCh37 (hg19) VCF-style: chrX-41026757-A-G.
Other names: c.2351A>G, p.Asp784Gly (NM_001039590.3); c.2366A>G, p.Asp789Gly (NM_001410748.1, NM_001410749.1); short protein forms D784G, D789G.
Identifiers: ClinVar variation 2874583 (VCV002874583.3), dbSNP rs1569177224, ClinGen allele CA412755939.

ClinVar aggregate classification (germline): Uncertain significance (1 of 4 stars; one submission).

Submission:

Labcorp Genetics (formerly Invitae), Labcorp
Classification: Uncertain significance. Last evaluated: 2025-10-06. Review status: criteria provided, single submitter. Criteria: Invitae Variant Classification Sherloc (09022015). Collection method: clinical testing. Allele origin: germline.
Comment: This sequence change replaces aspartic acid, which is acidic and polar, with glycine, which is neutral and non-polar, at codon 784 of the USP9X protein (p.Asp784Gly). This variant is not present in population databases (gnomAD no frequency). This variant has not been reported in the literature in individuals affected with USP9X-related conditions. ClinVar contains an entry for this variant (Variation ID: 2874583). An algorithm developed to predict the effect of missense changes on protein structure and function (PolyPhen-2) suggests that this variant is likely to be tolerated. In summary, the available evidence is currently insufficient to determine the role of this variant in disease. Therefore, it has been classified as a Variant of Uncertain Significance.